The following is an entry in ClinVar:

NM_016507.4(CDK12):c.4172G>A (p.Gly1391Asp)

Gene: CDK12 (cyclin dependent kinase 12; plus strand). Cytogenetic location: 17q12.
Variant type: single nucleotide variant.
Coding change: c.4172G>A on transcript NM_016507.4 (MANE Select); coding-DNA position 4172, G replaced by A.
Protein change: p.Gly1391Asp; replaces glycine 1391 with aspartic acid.
Molecular consequence: missense variant.
Genome position (GRCh38, 1-based): chr17:39,531,015, G>A. VCF-style: chr17-39531015-G-A. GRCh37 (hg19) VCF-style: chr17-37687268-G-A.
Other names: c.4145G>A, p.Gly1382Asp (NM_015083.4); short protein forms G1391D, G1382D.
Identifiers: ClinVar variation 3830427 (VCV003830427.1).

ClinVar aggregate classification (germline): Uncertain significance (1 of 4 stars; one submission).

Submission:

Ambry Genetics
Classification: Uncertain significance. Last evaluated: 2024-12-29. Review status: criteria provided, single submitter. Criteria: Ambry Variant Classification Scheme 2023. Collection method: clinical testing. Allele origin: germline.
Comment: The p.G1391D variant (also known as c.4172G>A), located in coding exon 14 of the CDK12 gene, results from a G to A substitution at nucleotide position 4172. The glycine at codon 1391 is replaced by aspartic acid, an amino acid with similar properties. This amino acid position is conserved. In addition, the in silico prediction for this alteration is inconclusive. Based on the available evidence, the clinical significance of this variant remains unclear.